The following is an entry in ClinVar:

NM_002801.4(PSMB10):c.659C>T (p.Thr220Ile)

Gene: PSMB10 (proteasome 20S subunit beta 10; minus strand). Cytogenetic location: 16q22.1.
Variant type: single nucleotide variant.
Coding change: c.659C>T on transcript NM_002801.4 (MANE Select); coding-DNA position 659, C replaced by T.
Protein change: p.Thr220Ile; replaces threonine 220 with isoleucine.
Molecular consequence: missense variant.
Genome position (GRCh38, 1-based): chr16:67,934,848, G>A on the plus strand (C>T on the coding strand, the complement: PSMB10 is on the minus strand). VCF-style: chr16-67934848-G-A. GRCh37 (hg19) VCF-style: chr16-67968751-G-A.
Other names: short protein forms T220I.
Identifiers: ClinVar variation 5041146 (VCV005041146.1).

ClinVar aggregate classification (germline): Uncertain significance (1 of 4 stars; one submission).

gnomAD v4.1: 1 of 1,614,110 alleles (0.000062%); highest among the groups gnomAD compares: Non-Finnish European, 0.000085%; no homozygotes.

Submission:

CeGaT Center for Human Genetics Tuebingen
Classification: Uncertain significance. Last evaluated: 2026-09-01. Review status: criteria provided, single submitter. Criteria: CeGaT Center For Human Genetics Tuebingen Variant Classification Criteria Version 2. Collection method: clinical testing. Allele origin: germline. Affected: yes. Observed: 1 variant allele.
Comment: PSMB10: PM2, BP4